The following is an entry in ClinVar:

NM_005908.4(MANBA):c.2311G>A (p.Val771Ile)

Gene: MANBA (mannosidase beta; minus strand). Cytogenetic location: 4q24.
Variant type: single nucleotide variant.
Coding change: c.2311G>A on transcript NM_005908.4 (MANE Select); coding-DNA position 2311, G replaced by A.
Protein change: p.Val771Ile; replaces valine 771 with isoleucine.
Molecular consequence: missense variant.
Genome position (GRCh38, 1-based): chr4:102,634,892, C>T on the plus strand (G>A on the coding strand, the complement: MANBA is on the minus strand). VCF-style: chr4-102634892-C-T. GRCh37 (hg19) VCF-style: chr4-103556049-C-T.
Other names: short protein forms V771I.
Identifiers: ClinVar variation 2176181 (VCV002176181.4), dbSNP rs201779762, ClinGen allele CA357756762.

ClinVar aggregate classification (germline): Uncertain significance (1 of 4 stars; one submission).

Conditions:
Beta-D-mannosidosis (MANSB). Also called: Beta-Mannosidosis; MANNOSIDOSIS, BETA A, LYSOSOMAL; BETA-MANNOSIDASE DEFICIENCY; LYSOSOMAL BETA-MANNOSIDASE DEFICIENCY. Identifiers: Orphanet 118, MedGen C4048196, MONDO:0009562, OMIM 248510.

Submission:

Labcorp Genetics (formerly Invitae), Labcorp
Classification: Uncertain significance for Beta-D-mannosidosis. Last evaluated: 2024-01-29. Review status: criteria provided, single submitter. Criteria: Invitae Variant Classification Sherloc (09022015). Collection method: clinical testing. Allele origin: germline.
Comment: This sequence change replaces valine, which is neutral and non-polar, with isoleucine, which is neutral and non-polar, at codon 771 of the MANBA protein (p.Val771Ile). This variant is not present in population databases (gnomAD no frequency). This variant has not been reported in the literature in individuals affected with MANBA-related conditions. ClinVar contains an entry for this variant (Variation ID: 2176181). Advanced modeling of protein sequence and biophysical properties (such as structural, functional, and spatial information, amino acid conservation, physicochemical variation, residue mobility, and thermodynamic stability) performed at Invitae indicates that this missense variant is not expected to disrupt MANBA protein function with a negative predictive value of 80%. In summary, the available evidence is currently insufficient to determine the role of this variant in disease. Therefore, it has been classified as a Variant of Uncertain Significance.